The following is an entry in ClinVar:

ClinVar aggregate classification (germline): Uncertain significance (1 of 4 stars; one submission).

Conditions:
2-aminoadipic 2-oxoadipic aciduria (AAKAD). Also called: ALPHA-AMINOADIPIC AND ALPHA-KETOADIPIC ACIDURIA; Aminoadipic aciduria. Identifiers: Orphanet 79154, MedGen C1859817, MONDO:0008774, OMIM 204750.

Submission:

Labcorp Genetics (formerly Invitae), Labcorp
Classification: Uncertain significance for 2-aminoadipic 2-oxoadipic aciduria. Last evaluated: 2023-12-31. Review status: criteria provided, single submitter. Criteria: Invitae Variant Classification Sherloc (09022015). Collection method: clinical testing. Allele origin: germline.
Comment: This variant is a gross deletion of the genomic region encompassing exon(s) 16-17 of the DHTKD1 gene, which includes the termination codon. This deletion extends beyond the assayed region for this gene and therefore may encompass additional genes. While this deletion is not anticipated to lead to nonsense mediated decay, it is expected to alter mRNA translation or result in a truncated protein product. This variant has not been reported in the literature in individuals affected with DHTKD1-related conditions. Experimental studies and prediction algorithms are not available or were not evaluated, and the functional significance of this variant is currently unknown. In summary, the available evidence is currently insufficient to determine the role of this variant in disease. Therefore, it has been classified as a Variant of Uncertain Significance.

NC_000010.10:g.(?_12162161)_(12162887_?)del

Gene: DHTKD1 (dehydrogenase E1 and transketolase domain containing 1; plus strand). Cytogenetic location: 10p14.
Variant type: Deletion.
Identifiers: ClinVar variation 1433916 (VCV001433916.7).